The following is an entry in ClinVar:

NM_001351132.2(PEX5):c.1768C>G (p.Arg590Gly)

Gene: PEX5 (peroxisomal biogenesis factor 5; plus strand). Cytogenetic location: 12p13.31.
Variant type: single nucleotide variant.
Coding change: c.1768C>G on transcript NM_001351132.2 (MANE Select); coding-DNA position 1768, C replaced by G.
Protein change: p.Arg590Gly; replaces arginine 590 with glycine.
Molecular consequence: missense variant.
Genome position (GRCh38, 1-based): chr12:7,210,071, C>G. VCF-style: chr12-7210071-C-G. GRCh37 (hg19) VCF-style: chr12-7362667-C-G.
Other names: c.1744C>G, p.Arg582Gly (NM_000319.5); c.1813C>G, p.Arg605Gly (NM_001131023.2); c.1657C>G, p.Arg553Gly (NM_001131024.2, NM_001351124.3, NM_001351126.2 and 7 more transcripts); c.1768C>G, p.Arg590Gly (NM_001131025.2, NM_001131026.2, NM_001300789.3 and 4 more transcripts); c.1702C>G, p.Arg568Gly (NM_001351135.3, NM_001351138.2); c.1759C>G, p.Arg587Gly (NM_001351136.2); c.1633C>G, p.Arg545Gly (NM_001351139.2, NM_001351140.2, NM_001374649.2); short protein forms R545G, R553G, R568G, R582G, R587G, R590G, R605G.
Identifiers: ClinVar variation 1303620 (VCV001303620.3), dbSNP rs139347001, ClinGen allele CA383739543.
Genomic context (GRCh38, chr12:7,210,071, plus strand): 5'-CTTCCTTACAGGGAGGCTGTGGAGCACTTTCTGGAGGCCCTGAACATGCAGAGGAAAAGC[C>G]GGGGCCCCCGGGGTGAAGGAGGTGCCATGTCGGAGAACATCTGGAGCACCCTGCGTTTGG-3'
Protein context (NP_001338061.1, residues 580-600): LEALNMQRKS[Arg590Gly]GPRGEGGAMS

ClinVar aggregate classification (germline): Uncertain significance. Review status: criteria provided, multiple submitters, no conflicts (2 of 4 stars). 2 submissions from 2 submitters: Uncertain significance (2). Last evaluated 2024-10-20.

Conditions:
Inborn genetic diseases. Identifiers: MedGen C0950123, MeSH D030342.

gnomAD v4.1: 8 of 1,614,214 alleles (0.0005%); highest among the groups gnomAD compares: Non-Finnish European, 0.00068%; no homozygotes.

Submissions (2):

Ambry Genetics
Classification: Uncertain significance for Inborn genetic diseases. Last evaluated: 2024-10-20. Review status: criteria provided, single submitter. Criteria: Ambry Variant Classification Scheme 2023. Collection method: clinical testing. Allele origin: germline.

GeneDx
Classification: Uncertain significance. Last evaluated: 2019-12-26. Review status: criteria provided, single submitter. Criteria: GeneDx Variant Classification Process June 2021. Collection method: clinical testing. Allele origin: germline. Affected: yes.
Comment: Not observed at a significant frequency in large population cohorts (Lek et al., 2016); In silico analysis, which includes protein predictors and evolutionary conservation, supports a deleterious effect; Has not been previously published as pathogenic or benign to our knowledge